The following is an entry in ClinVar:

ClinVar aggregate classification (germline): Pathogenic (1 of 4 stars; one submission).

Conditions:
Cardiovascular phenotype. Identifiers: MedGen CN230736.
Hereditary cancer-predisposing syndrome. Also called: Neoplastic Syndromes, Hereditary; Tumor predisposition; Hereditary Cancer Syndrome; Hereditary neoplastic syndrome. Identifiers: Orphanet 140162, MedGen C0027672, MeSH D009386, MONDO:0015356.

Submission:

Ambry Genetics
Classification: Pathogenic for Cardiovascular phenotype; Hereditary cancer-predisposing syndrome. Last evaluated: 2026-03-30. Review status: criteria provided, single submitter. Criteria: Ambry Variant Classification Scheme 2023. Collection method: clinical testing. Allele origin: germline.
Comment: The c.1180delG pathogenic mutation, located in coding exon 11 of the LZTR1 gene, results from a deletion of one nucleotide at nucleotide position 1180, causing a translational frameshift with a predicted alternate stop codon (p.A394Lfs*67). This variant is considered to be rare based on population cohorts in the Genome Aggregation Database (gnomAD). This alteration is expected to result in loss of function by premature protein truncation or nonsense-mediated mRNA decay. Loss-of-function variants in LZTR1 are related to an increased risk for schwannomas and autosomal recessive Noonan syndrome; however, such associations with autosomal dominant Noonan syndrome have not been observed (Piotrowski A et al. Nat Genet. 2014 Feb;46:182-7; Yamamoto GL et al. J Med Genet. 2015 Jun;52:413-21; Johnston JJ et al. Genet Med. 2018 10;20:1175-1185). Based on the supporting evidence, this variant is pathogenic for an increased risk of LZTR1-related schwannomatosis (SWN) and would be expected to cause autosomal recessive Noonan syndrome when present along with a second pathogenic or likely pathogenic variant on the other allele; however, the association of this variant with autosomal dominant Noonan syndrome is unlikely.

NM_006767.4(LZTR1):c.1180del (p.Ala394fs)

Gene: LZTR1 (leucine zipper like post translational regulator 1; plus strand). Cytogenetic location: 22q11.21.
Variant type: Deletion.
Coding change: c.1180del on transcript NM_006767.4 (MANE Select); coding-DNA position 1180, one base deleted (G; older notation c.1180delG).
Protein change: p.Ala394fs; shifts the reading frame from alanine 394.
Molecular consequence: frameshift variant.
Genome position (GRCh38, 1-based): chr22:20,992,824, G deleted. VCF-style (leftmost placement, unchanged base first): chr22-20992823-TG-T. GRCh37 (hg19) VCF-style: chr22-21347112-TG-T.
Other names: short protein forms A394fs.
Identifiers: ClinVar variation 4859368 (VCV004859368.1).